The following is an entry in ClinVar:

ClinVar aggregate classification (germline): Uncertain significance. Review status: criteria provided, multiple submitters, no conflicts (2 of 4 stars). 2 submissions from 2 submitters: Uncertain significance (2). Last evaluated 2023-09-29.

Conditions:
Inborn genetic diseases. Identifiers: MedGen C0950123, MeSH D030342.

Allele frequency attached by ClinVar (database versions not stated): TOPMed 0.00001; gnomAD exomes 0.00003 and 0.00008.

Submissions (2):

Ambry Genetics
Classification: Uncertain significance for Inborn genetic diseases. Last evaluated: 2023-09-29. Review status: criteria provided, single submitter. Criteria: Ambry Variant Classification Scheme 2023. Collection method: clinical testing. Allele origin: germline.

Labcorp Genetics (formerly Invitae), Labcorp
Classification: Uncertain significance. Last evaluated: 2021-10-03. Review status: criteria provided, single submitter. Criteria: Invitae Variant Classification Sherloc (09022015). Collection method: clinical testing. Allele origin: germline.
Comment: In summary, the available evidence is currently insufficient to determine the role of this variant in disease. Therefore, it has been classified as a Variant of Uncertain Significance. Algorithms developed to predict the effect of missense changes on protein structure and function output the following: SIFT: "Tolerated"; PolyPhen-2: "Benign"; Align-GVGD: "Class C0". The asparagine amino acid residue is found in multiple mammalian species, which suggests that this missense change does not adversely affect protein function. This variant has not been reported in the literature in individuals affected with NYX-related conditions. The frequency data for this variant in the population databases is considered unreliable, as metrics indicate insufficient coverage at this position in the ExAC database. This sequence change replaces serine with asparagine at codon 200 of the NYX protein (p.Ser200Asn). The serine residue is moderately conserved and there is a small physicochemical difference between serine and asparagine.

NM_001378477.3(NYX):c.584G>A (p.Ser195Asn)

Gene: NYX (nyctalopin; plus strand). Cytogenetic location: Xp11.4.
Variant type: single nucleotide variant.
Coding change: c.584G>A on transcript NM_001378477.3 (MANE Select); coding-DNA position 584, G replaced by A.
Protein change: p.Ser195Asn; replaces serine 195 with asparagine.
Molecular consequence: missense variant.
Genome position (GRCh38, 1-based): chrX:41,474,052, G>A. VCF-style: chrX-41474052-G-A. GRCh37 (hg19) VCF-style: chrX-41333305-G-A.
Other names: c.599G>A (NM_022567.2); c.584G>A, p.Ser195Asn (NM_022567.3); short protein forms S195N.
Identifiers: ClinVar variation 1396036 (VCV001396036.7), dbSNP rs1454008112, ClinGen allele CA412990852.
Genomic context (GRCh38, chrX:41,474,052, plus strand): 5'-GCCTGGCCAACCTGACGCACGCGCACCTGGAGCGCGGCCGCATCGAGGCGGTGGCCTCCA[G>A]CTCGCTGCAGGGCCTGCGCCGCCTGCGCTCGCTCAGCCTGCAGGCCAACCGCGTCCGTGC-3'
Protein context (NP_001365406.2, residues 185-205): ERGRIEAVAS[Ser195Asn]SLQGLRRLRS